The following is an entry in ClinVar:

NM_001042492.3(NF1):c.5018_5028del (p.Asn1673fs)

Gene: NF1 (neurofibromin 1; plus strand). Cytogenetic location: 17q11.2.
Variant type: Deletion.
Coding change: c.5018_5028del on transcript NM_001042492.3 (MANE Select); coding-DNA positions 5018 to 5028, 11 bases deleted (ACGTCTCCGCA).
Protein change: p.Asn1673fs; shifts the reading frame from asparagine 1673.
Molecular consequence: frameshift variant.
Genome position (GRCh38, 1-based): chr17:31,326,002-31,326,012, ACGTCTCCGCA deleted; deleting any 11 consecutive bases within chr17:31,326,000-31,326,012 gives the same sequence; the c. name uses the placement nearest the transcript's 3' end. VCF-style (leftmost placement, unchanged base first): chr17-31325999-ACAACGTCTCCG-A. GRCh37 (hg19) VCF-style: chr17-29653017-ACAACGTCTCCG-A.
Other names: c.4955_4965del, p.Asn1652fs (NM_000267.4); short protein forms N1673fs, N1652fs.
Identifiers: ClinVar variation 4716385 (VCV004716385.1).

ClinVar aggregate classification (germline): Pathogenic (1 of 4 stars; one submission).

Conditions:
Neurofibromatosis, type 1 (NF1). Also called: NEUROFIBROMATOSIS, TYPE I, SOMATIC; VON RECKLINGHAUSEN DISEASE; Peripheral type neurofibromatosis; Neurofibromatosis, type I. Identifiers: Orphanet 636, MedGen C0027831, MONDO:0018975, OMIM 162200. Disease mechanism: loss of function.

Submission:

Labcorp Genetics (formerly Invitae), Labcorp
Classification: Pathogenic for Neurofibromatosis, type 1. Last evaluated: 2025-03-31. Review status: criteria provided, single submitter. Criteria: Invitae Variant Classification Sherloc (09022015). Collection method: clinical testing. Allele origin: germline.
Comment: This sequence change creates a premature translational stop signal (p.Asn1652Serfs*5) in the NF1 gene. It is expected to result in an absent or disrupted protein product. Loss-of-function variants in NF1 are known to be pathogenic (PMID: 10712197, 23913538). This variant is not present in population databases (gnomAD no frequency). This variant has not been reported in the literature in individuals affected with NF1-related conditions. Algorithms developed to predict the effect of sequence changes on RNA splicing suggest that this variant may create or strengthen a splice site. For these reasons, this variant has been classified as Pathogenic.

Literature cited by the submitters: PubMed 10712197; PubMed 23913538.